The following continues an entry in ClinVar:

NM_000492.4(CFTR):c.1651G>A (p.Gly551Ser)

ClinVar aggregate classification (germline): Pathogenic; drug response. Pathogenic (1).

Submissions 10 to 15 of 15:

Women's Health and Genetics/Laboratory Corporation of America, LabCorp
Classification: Pathogenic for Cystic fibrosis. Last evaluated: 2022-02-24. Review status: criteria provided, single submitter. Criteria: LabCorp Variant Classification Summary - May 2015. Collection method: clinical testing. Allele origin: germline. Not counted in ClinVar's aggregate classification.
Comment: Variant summary: CFTR c.1651G>A (p.Gly551Ser) results in a non-conservative amino acid change located in the ABC transporter-like and AAA+ ATPase domains of the encoded protein sequence. Five of five in-silico tools predict a damaging effect of the variant on protein function. The variant allele was found at a frequency of 4e-06 in 250911 control chromosomes. c.1651G>A has been reported in the literature in multiple individuals affected with Cystic Fibrosis in the homozygous and compound heterozygous state (examples: Orozco_1995, Strong_1991, McCague_2019). These data indicate that the variant is very likely to be associated with disease. Experimental evidence evaluating an impact on protein function demonstrated that although the variant was found to have no effect on bicarbonate permeability or chloride transport, it did result in a negative effect in a number of other CFTR functions including activation of chloride conductance, probability of channel opening and biocarbonate transport (Tang_2009, Choi_2001, Wilkinson_1996, Anderson_1992, Drumm_1991). Eight clinical diagnostic laboratories have submitted clinical-significance assessments for this variant to ClinVar after 2014 without evidence for independent evaluation. All laboratories classified the variant as pathogenic/likely pathogenic. Based on the evidence outlined above, the variant was classified as pathogenic.

Mayo Clinic Laboratories, Mayo Clinic
Classification: Pathogenic. Last evaluated: 2020-12-28. Review status: criteria provided, single submitter. Criteria: ACMG Guidelines, 2015. Collection method: clinical testing. Allele origin: germline. Observed: 1 variant allele. Not counted in ClinVar's aggregate classification.

Johns Hopkins Genomics, Johns Hopkins University
Classification: Pathogenic for Cystic fibrosis. Last evaluated: 2019-10-16. Review status: criteria provided, single submitter. Criteria: ACMG Guidelines, 2015. Collection method: clinical testing. Allele origin: germline. Not counted in ClinVar's aggregate classification.
Comment: Disease-causing CFTR variant. See CFTR2 for phenotype information.

Center for Pediatric Genomic Medicine, Children's Mercy Hospital and Clinics
Classification: Pathogenic. Last evaluated: 2015-05-26. Review status: criteria provided, single submitter. Criteria: ACMG Guidelines, 2015. Collection method: clinical testing. Allele origin: germline. Not counted in ClinVar's aggregate classification.

Counsyl
Classification: Likely pathogenic for Cystic fibrosis. Last evaluated: 2016-01-20. Review status: no assertion criteria provided. Collection method: clinical testing. Allele origin: unknown. Not counted in ClinVar's aggregate classification.

OMIM
Classification: Pathogenic for CYSTIC FIBROSIS. Last evaluated: 1991-12-05. Review status: no assertion criteria provided. Collection method: literature only. Allele origin: germline. Not counted in ClinVar's aggregate classification.

Literature cited by the submitters: PubMed 22293084 (cited by 5 submitters); PubMed 25266159 (cited by ClinPGx); PubMed 1284534 (cited by 3billion and Women's Health and Genetics/Laboratory Corporation of America, LabCorp); PubMed 19019741 (cited by 3 submitters); PubMed 2236053 (cited by 3billion); PubMed 11242048 (cited by 5 submitters); PubMed 30888834 (cited by 3 submitters); PubMed 8947061 (cited by Natera, Inc.); PubMed 7606851 (cited by 6 submitters); PubMed 1944451 (cited by 6 submitters); PubMed 10798368 (cited by 3 submitters); PubMed 1382316 (cited by 3 submitters); PubMed 8741733 (cited by Quest Diagnostics Nichols Institute San Juan Capistrano and Women's Health and Genetics/Laboratory Corporation of America, LabCorp); PubMed 34782259 (cited by Quest Diagnostics Nichols Institute San Juan Capistrano); PubMed 23974870 (cited by Labcorp Genetics (formerly Invitae), Labcorp); PubMed 1379413 (cited by Labcorp Genetics (formerly Invitae), Labcorp); PubMed 1695717 (cited by Labcorp Genetics (formerly Invitae), Labcorp); PubMed 8605891 (cited by Labcorp Genetics (formerly Invitae), Labcorp); PubMed 19734299 (cited by Labcorp Genetics (formerly Invitae), Labcorp); PubMed 7544788 (cited by Women's Health and Genetics/Laboratory Corporation of America, LabCorp and Counsyl); PubMed 7521937 (cited by Women's Health and Genetics/Laboratory Corporation of America, LabCorp); PubMed 12007216 (cited by Women's Health and Genetics/Laboratory Corporation of America, LabCorp); PubMed 9163660 (cited by Women's Health and Genetics/Laboratory Corporation of America, LabCorp); PubMed 1722350 (cited by Women's Health and Genetics/Laboratory Corporation of America, LabCorp and Counsyl); PubMed 11448786 (cited by Women's Health and Genetics/Laboratory Corporation of America, LabCorp); PubMed 9379898 (cited by Counsyl).